The following is an entry in ClinVar:

NM_005060.4(RORC):c.70+3610C>T

Gene: RORC (RAR related orphan receptor C; minus strand). Cytogenetic location: 1q21.3.
Variant type: single nucleotide variant.
Coding change: c.70+3610C>T on transcript NM_005060.4 (MANE Select); 3610 bases into the intron after coding-DNA position 70, C replaced by T.
Molecular consequence: intron variant.
Genome position (GRCh38, 1-based): chr1:151,825,819, G>A on the plus strand (C>T on the coding strand, the complement: RORC is on the minus strand). VCF-style: chr1-151825819-G-A. GRCh37 (hg19) VCF-style: chr1-151798295-G-A.
Other names: c.7+111C>T (NM_001001523.2).
Identifiers: ClinVar variation 2628168 (VCV002628168.2), dbSNP rs12030974, ClinGen allele CA10961807.
Genomic context (GRCh38, chr1:151,825,819, plus strand): 5'-CCAGCAGGACTCCCCAGCTGCTCCACCCATCTCCCAACAGATCTTGACCTTGACCAGGAC[G>A]CACCCTGCTTTGCTCAGATTTGCTCACACTGTTCCCAAGACATCCTCCTTTCCAGAGGGG-3'

ClinVar aggregate classification (germline): Benign (1 of 4 stars; one submission).

Allele frequency attached by ClinVar (database versions not stated): gnomAD 0.18356; TOPMed 0.18744; 1000 Genomes Project 30x 0.24094; 1000 Genomes Project 0.24601.
gnomAD v4.1: 288,225 of 1,299,052 alleles (22%); highest among the groups gnomAD compares: East Asian, 42%; 36,938 homozygotes.

Submission:

Unidad de Genómica Garrahan, Hospital de Pediatría Garrahan
Classification: Benign. Last evaluated: 2023-11-12. Review status: criteria provided, single submitter. Criteria: ACMG Guidelines, 2015. Collection method: clinical testing. Allele origin: germline. Affected: no. Observed: 50 variant alleles.
Comment: This variant is classified as Benign based on local population frequency. This variant was detected in 52% of patients studied by a panel of primary immunodeficiencies. Number of patients: 50. Only high quality variants are reported.